The following is an entry in ClinVar:

ClinVar aggregate classification (germline): Uncertain significance (1 of 4 stars; one submission).

Conditions:
Eichsfeld type congenital muscular dystrophy (CMYO3). Also called: MYOPATHY, SEPN1-RELATED; SELENON-related myopathy; Congenital myopathy 3 with rigid spine; Rigid spine muscular dystrophy 1. Identifiers: MedGen C0410180, MONDO:0100100, OMIM 602771.

gnomAD v4.1: 2 of 1,092,828 alleles (0.00018%); highest among the groups gnomAD compares: Non-Finnish European, 0.00011%; no homozygotes.

Submission:

Labcorp Genetics (formerly Invitae), Labcorp
Classification: Uncertain significance for Eichsfeld type congenital muscular dystrophy. Last evaluated: 2022-05-30. Review status: criteria provided, single submitter. Criteria: Invitae Variant Classification Sherloc (09022015). Collection method: clinical testing. Allele origin: germline.
Comment: This sequence change replaces arginine, which is basic and polar, with histidine, which is basic and polar, at codon 51 of the SELENON protein (p.Arg51His). This variant is not present in population databases (gnomAD no frequency). This variant has not been reported in the literature in individuals affected with SELENON-related conditions. Algorithms developed to predict the effect of missense changes on protein structure and function are either unavailable or do not agree on the potential impact of this missense change (SIFT: "Tolerated"; PolyPhen-2: "Possibly Damaging"; Align-GVGD: "Class C0"). In summary, the available evidence is currently insufficient to determine the role of this variant in disease. Therefore, it has been classified as a Variant of Uncertain Significance.

NM_206926.2(SELENON):c.152G>A (p.Arg51His)

Gene: SELENON (selenoprotein N; plus strand). Cytogenetic location: 1p36.11.
Variant type: single nucleotide variant.
Coding change: c.152G>A on transcript NM_206926.2 (MANE Select); coding-DNA position 152, G replaced by A.
Protein change: p.Arg51His; replaces arginine 51 with histidine.
Molecular consequence: missense variant.
Genome position (GRCh38, 1-based): chr1:25,800,382, G>A. VCF-style: chr1-25800382-G-A. GRCh37 (hg19) VCF-style: chr1-26126873-G-A.
Other names: c.152G>A, p.Arg51His (NM_020451.3); short protein forms R51H.
Identifiers: ClinVar variation 2416985 (VCV002416985.8), dbSNP rs1405091304, ClinGen allele CA339106215.